The following is an entry in ClinVar:

NM_001161352.2(KCNMA1):c.2565C>T (p.Ile855=)

Genes: KCNMA1-AS1 (KCNMA1 antisense RNA 1; plus strand), KCNMA1 (potassium calcium-activated channel subfamily M alpha 1; minus strand). Cytogenetic location: 10q22.3.
Variant type: single nucleotide variant.
Coding change: c.2565C>T on transcript NM_001161352.2 (MANE Select); coding-DNA position 2565, C replaced by T.
Protein change: p.Ile855=; no amino-acid change (isoleucine 855 retained).
Molecular consequence: synonymous variant.
Genome position (GRCh38, 1-based): chr10:76,949,286, G>A on the plus strand (C>T on the coding strand, the complement: KCNMA1 is on the minus strand). VCF-style: chr10-76949286-G-A. GRCh37 (hg19) VCF-style: chr10-78709044-G-A.
Other names: p.Ile797=; c.2514C>T, p.Ile838= (NM_001161353.2); c.2241C>T, p.Ile747= (NM_001271518.2); c.2400C>T, p.Ile800= (NM_001271519.2, NM_001322829.2, NM_001322836.2); c.2412C>T, p.Ile804= (NM_001322830.2); c.2391C>T, p.Ile797= (NM_001322832.2, NM_002247.4); c.2403C>T, p.Ile801= (NM_001322835.2, NM_001322837.2, NM_001014797.3); c.1938C>T, p.Ile646= (NM_001322838.2).
Identifiers: ClinVar variation 195587 (VCV000195587.25), dbSNP rs2229009, ClinGen allele CA201836.

ClinVar aggregate classification (germline): Benign. Review status: criteria provided, multiple submitters, no conflicts (2 of 4 stars). 7 submissions from 7 submitters: Benign (6). 1 of the submissions does not count toward it. Last evaluated 2026-01-31.

Conditions:
KCNMA1-related disorder. Also called: KCNMA1-related disorders; KCNMA1-related condition.
Generalized epilepsy-paroxysmal dyskinesia syndrome (PNKD3). Also called: Paroxysmal nonkinesigenic dyskinesia, 3, with or without generalized epilepsy; Generalized epilepsy and paroxysmal dyskinesia. Identifiers: Orphanet 79137, MedGen C5574945, MONDO:0012276, OMIM 609446.

Allele frequency attached by ClinVar (database versions not stated): ESP Exome Variant Server 0.00254; gnomAD 0.00285 and 0.00412; TOPMed 0.00318; gnomAD exomes 0.00610; ExAC 0.00709; 1000 Genomes Project 30x 0.01171; 1000 Genomes Project 0.01178.
gnomAD v4.1: 5,011 of 1,614,094 alleles (0.31%); highest among the groups gnomAD compares: South Asian, 4.3%; 141 homozygotes.

Submissions (7):

Labcorp Genetics (formerly Invitae), Labcorp
Classification: Benign for Generalized epilepsy-paroxysmal dyskinesia syndrome. Last evaluated: 2026-01-31. Review status: criteria provided, single submitter. Criteria: Invitae Variant Classification Sherloc (09022015). Collection method: clinical testing. Allele origin: germline.

Mayo Clinic Laboratories, Mayo Clinic
Classification: Benign. Last evaluated: 2025-06-13. Review status: criteria provided, single submitter. Criteria: ACMG Guidelines, 2015. Collection method: clinical testing. Allele origin: germline. Observed: 1 variant allele.
Comment: BA1, BP4, BP7

GeneDx
Classification: Benign. Last evaluated: 2019-08-09. Review status: criteria provided, single submitter. Criteria: GeneDx Variant Classification Process June 2021. Collection method: clinical testing. Allele origin: germline. Affected: yes.

Illumina Laboratory Services, Illumina
Classification: Benign for Generalized epilepsy-paroxysmal dyskinesia syndrome. Last evaluated: 2018-01-12. Review status: criteria provided, single submitter. Criteria: ICSL Variant Classification Criteria 13 December 2019. Collection method: clinical testing. Allele origin: germline.
Comment: This variant was observed in the ICSL laboratory as part of a predisposition screen in an ostensibly healthy population. It had not been previously curated by ICSL or reported in the Human Gene Mutation Database (HGMD: prior to June 1st, 2018), and was therefore a candidate for classification through an automated scoring system. Utilizing variant allele frequency, disease prevalence and penetrance estimates, and inheritance mode, an automated score was calculated to assess if this variant is too frequent to cause the disease. Based on the score and internal cut-off values, a variant classified as benign is not then subjected to further curation. The score for this variant resulted in a classification of benign for this disease.

Eurofins Ntd Llc (ga)
Classification: Benign. Last evaluated: 2015-04-21. Review status: criteria provided, single submitter. Criteria: EGL Classification Definitions 2015. Collection method: clinical testing. Allele origin: germline. Observed: 2 variant alleles, 2 heterozygotes.

Breakthrough Genomics
Classification: Benign. Review status: criteria provided, single submitter. Criteria: ACMG Guidelines, 2015. Collection method: not provided. Allele origin: germline. Inheritance: Autosomal recessive inheritance. Affected: yes.

PreventionGenetics, part of Exact Sciences
Classification: Benign for KCNMA1-related condition. Last evaluated: 2019-04-05. Review status: no assertion criteria provided. Collection method: clinical testing. Allele origin: germline. Not counted in ClinVar's aggregate classification.
Comment: This variant is classified as benign based on ACMG/AMP sequence variant interpretation guidelines (Richards et al. 2015 PMID: 25741868, with internal and published modifications).